The following is an entry in ClinVar:

NM_005359.6(SMAD4):c.1254T>G (p.Ala418=)

Gene: SMAD4 (SMAD family member 4; plus strand). Cytogenetic location: 18q21.2.
Variant type: single nucleotide variant.
Coding change: c.1254T>G on transcript NM_005359.6 (MANE Select); coding-DNA position 1254, T replaced by G.
Protein change: p.Ala418=; no amino-acid change (alanine 418 retained).
Molecular consequence: synonymous variant.
Genome position (GRCh38, 1-based): chr18:51,067,133, T>G. VCF-style: chr18-51067133-T-G. GRCh37 (hg19) VCF-style: chr18-48593503-T-G.
Identifiers: ClinVar variation 460533 (VCV000460533.15), dbSNP rs1186154913, ClinGen allele CA503874260.

ClinVar aggregate classification (germline): Benign/Likely benign. Review status: criteria provided, multiple submitters, no conflicts (2 of 4 stars). 3 submissions from 3 submitters: Benign (1); Likely benign (2). Last evaluated 2025-03-21.

Conditions:
Hereditary cancer-predisposing syndrome. Also called: Neoplastic Syndromes, Hereditary; Hereditary Cancer Syndrome; Hereditary neoplastic syndrome; Tumor predisposition. Identifiers: Orphanet 140162, MedGen C0027672, MeSH D009386, MONDO:0015356.
Familial thoracic aortic aneurysm and aortic dissection (TAAD). Also called: Thoracic aortic aneurysms and dissections. Identifiers: Orphanet 91387, MedGen C4707243, MONDO:0019625.
Juvenile polyposis syndrome (JPS). Identifiers: Orphanet 2929, MedGen C0345893, MONDO:0017380, OMIM 174900.
Juvenile polyposis/hereditary hemorrhagic telangiectasia syndrome (JPHT). Also called: POLYPOSIS, GENERALIZED JUVENILE, WITH PULMONARY ARTERIOVENOUS MALFORMATION; TELANGIECTASIA, HEREDITARY HEMORRHAGIC, WITH JUVENILE POLYPOSIS COLI; Juvenile Polyposis Syndrome / Hereditary Hemorrhagic Telangiectasia (JPS/HHT); JP/HHT SYNDROME; JUVENILE POLYPOSIS WITH HEREDITARY HEMORRHAGIC TELANGIECTASIA. Identifiers: Orphanet 2929, MedGen C1832942, MONDO:0008278, OMIM 175050.

Allele frequency attached by ClinVar (database versions not stated): gnomAD 0.00001; TOPMed 0.00001.
gnomAD v4.1: 1 of 1,610,726 alleles (0.000062%); highest among the groups gnomAD compares: Non-Finnish European, 0.000085%; no homozygotes.

Submissions (3):

Myriad Genetics, Inc.
Classification: Benign for Juvenile polyposis/hereditary hemorrhagic telangiectasia syndrome. Last evaluated: 2025-03-21. Review status: criteria provided, single submitter. Criteria: Myriad Autosomal Dominant, Autosomal Recessive and X-Linked Classification Criteria (2023). Collection method: clinical testing. Allele origin: unknown.
Comment: This variant is considered benign. This variant is a silent/synonymous amino acid change and it is not expected to impact splicing.

Labcorp Genetics (formerly Invitae), Labcorp
Classification: Likely benign for Juvenile polyposis syndrome. Last evaluated: 2024-05-05. Review status: criteria provided, single submitter. Criteria: Invitae Variant Classification Sherloc (09022015). Collection method: clinical testing. Allele origin: germline.

Ambry Genetics
Classification: Likely benign for Hereditary cancer-predisposing syndrome; Familial thoracic aortic aneurysm and aortic dissection. Last evaluated: 2016-09-16. Review status: criteria provided, single submitter. Criteria: Ambry Variant Classification Scheme 2023. Collection method: clinical testing. Allele origin: germline.